The following is an entry in ClinVar:

ClinVar aggregate classification (germline): Pathogenic (1 of 4 stars; one submission).

Conditions:
Microcephaly, normal intelligence and immunodeficiency (NBS). Also called: BERLIN BREAKAGE SYNDROME; IMMUNODEFICIENCY, MICROCEPHALY, AND CHROMOSOMAL INSTABILITY; SEEMANOVA SYNDROME II; Immunodeficiency, microcephaly with normal intelligence; Nijmegen breakage syndrome; Microcephaly with normal intelligence immunodeficiency and lymphoreticular malignancies. Identifiers: Orphanet 647, MedGen C0398791, MONDO:0009623, OMIM 251260.

Submission:

Labcorp Genetics (formerly Invitae), Labcorp
Classification: Pathogenic for Microcephaly, normal intelligence and immunodeficiency. Last evaluated: 2021-10-19. Review status: criteria provided, single submitter. Criteria: Invitae Variant Classification Sherloc (09022015). Collection method: clinical testing. Allele origin: germline.
Comment: For these reasons, this variant has been classified as Pathogenic. This variant has not been reported in the literature in individuals with NBN-related conditions. This variant is not present in population databases (ExAC no frequency). This sequence change creates a premature translational stop signal (p.Val358*) in the NBN gene. It is expected to result in an absent or disrupted protein product. Loss-of-function variants in NBN are known to be pathogenic (PMID: 9590180, 16415040).

Literature cited by the submitters: PubMed 9590180; PubMed 16415040.

NM_002485.5(NBN):c.1072del (p.Pro357_Val358insTer)

Gene: NBN (nibrin; minus strand). Cytogenetic location: 8q21.3.
Variant type: Deletion.
Coding change: c.1072del on transcript NM_002485.5 (MANE Select); coding-DNA position 1072, one base deleted (G; older notation c.1072delG).
Protein change: p.Pro357_Val358insTer.
Molecular consequence: nonsense.
Genome position (GRCh38, 1-based): chr8:89,958,777, C deleted on the plus strand (G on the coding strand, the reverse complement: NBN is on the minus strand). VCF-style (leftmost placement, unchanged base first): chr8-89958776-AC-A. GRCh37 (hg19) VCF-style: chr8-90971004-AC-A.
Other names: c.826del, p.Pro275_Val276insTer (NM_001024688.3).
Identifiers: ClinVar variation 1451273 (VCV001451273.6), dbSNP rs2129745511, ClinGen allele CA2573143358.